The following is an entry in ClinVar:

ClinVar aggregate classification (germline): Uncertain significance (1 of 4 stars; one submission).

Conditions:
Congenital myasthenic syndrome 5. Identifiers: Orphanet 590, MedGen C1864233, MONDO:0011281, OMIM 603034.

Allele frequency attached by ClinVar (database versions not stated): gnomAD 0.00001; TOPMed 0.00001.
gnomAD v4.1: 1 of 1,614,068 alleles (0.000062%); highest among the groups gnomAD compares: African/African-American, 0.0013%; no homozygotes.

Submission:

Labcorp Genetics (formerly Invitae), Labcorp
Classification: Uncertain significance for Congenital myasthenic syndrome 5. Last evaluated: 2022-06-13. Review status: criteria provided, single submitter. Criteria: Invitae Variant Classification Sherloc (09022015). Collection method: clinical testing. Allele origin: germline.
Comment: This sequence change replaces proline, which is neutral and non-polar, with serine, which is neutral and polar, at codon 6 of the COLQ protein (p.Pro6Ser). This variant is not present in population databases (gnomAD no frequency). This variant has not been reported in the literature in individuals affected with COLQ-related conditions. ClinVar contains an entry for this variant (Variation ID: 966583). Algorithms developed to predict the effect of missense changes on protein structure and function are either unavailable or do not agree on the potential impact of this missense change (SIFT: "Tolerated"; PolyPhen-2: "Possibly Damaging"; Align-GVGD: "Class C0"). In summary, the available evidence is currently insufficient to determine the role of this variant in disease. Therefore, it has been classified as a Variant of Uncertain Significance.

NM_005677.4(COLQ):c.16C>T (p.Pro6Ser)

Gene: COLQ (collagen like tail subunit of asymmetric acetylcholinesterase; minus strand). Cytogenetic location: 3p25.1.
Variant type: single nucleotide variant.
Coding change: c.16C>T on transcript NM_005677.4 (MANE Select); coding-DNA position 16, C replaced by T.
Protein change: p.Pro6Ser; replaces proline 6 with serine.
Molecular consequence: missense variant.
Genome position (GRCh38, 1-based): chr3:15,521,610, G>A on the plus strand (C>T on the coding strand, the complement: COLQ is on the minus strand). VCF-style: chr3-15521610-G-A. GRCh37 (hg19) VCF-style: chr3-15563117-G-A.
Other names: c.16C>T, p.Pro6Ser (NM_080539.4); short protein forms P6S.
Identifiers: ClinVar variation 966583 (VCV000966583.7), dbSNP rs1314591935, ClinGen allele CA351604004.
Genomic context (GRCh38, chr3:15,521,610, plus strand): 5'-AAGTCGGCTGAGACACGATAGAGAGGAAGAAAAGCTGAAGATAAATTCCCAAAGTCATTG[G>A]ATTCAGGACAACCATGCTGGCCAGGGTCTGGCGAGGGTCAAGTTAGAAAGGAGGCTGCTG-3'
Protein context (NP_005668.2, residues 1-16): MVVLN[Pro6Ser]MTLGIYLQLF